The following is an entry in ClinVar:

ClinVar aggregate classification (germline): Uncertain significance. Review status: criteria provided, multiple submitters, no conflicts (2 of 4 stars). 2 submissions from 2 submitters: Uncertain significance (2). Last evaluated 2024-12-18.

Conditions:
Arterial calcification, generalized, of infancy, 2. Identifiers: Orphanet 51608, MedGen C3276161, MONDO:0013768, OMIM 614473.
Autosomal recessive inherited pseudoxanthoma elasticum (PXE). Identifiers: Orphanet 758, MedGen CN032334, MONDO:0009925, OMIM 264800.
Pseudoxanthoma elasticum, forme fruste. Also called: PSEUDOXANTHOMA ELASTICUM, HETEROZYGOUS; Pseudoxanthoma Elasticum, Incomplete. Identifiers: Orphanet 758, MedGen C1867450, MONDO:0008333, OMIM 177850.

gnomAD v4.1: 4 of 1,613,446 alleles (0.00025%); highest among the groups gnomAD compares: Non-Finnish European, 0.000085%; no homozygotes.

Submissions (2):

Labcorp Genetics (formerly Invitae), Labcorp
Classification: Uncertain significance. Last evaluated: 2024-12-18. Review status: criteria provided, single submitter. Criteria: Invitae Variant Classification Sherloc (09022015). Collection method: clinical testing. Allele origin: germline.
Comment: This sequence change replaces leucine, which is neutral and non-polar, with phenylalanine, which is neutral and non-polar, at codon 1444 of the ABCC6 protein (p.Leu1444Phe). This variant is not present in population databases (gnomAD no frequency). This variant has not been reported in the literature in individuals affected with ABCC6-related conditions. Invitae Evidence Modeling of protein sequence and biophysical properties (such as structural, functional, and spatial information, amino acid conservation, physicochemical variation, residue mobility, and thermodynamic stability) has been performed for this missense variant. However, the output from this modeling did not meet the statistical confidence thresholds required to predict the impact of this variant on ABCC6 protein function. In summary, the available evidence is currently insufficient to determine the role of this variant in disease. Therefore, it has been classified as a Variant of Uncertain Significance.

Fulgent Genetics
Classification: Uncertain significance for Pseudoxanthoma elasticum, forme fruste; Autosomal recessive inherited pseudoxanthoma elasticum; Arterial calcification, generalized, of infancy, 2. Last evaluated: 2024-04-29. Review status: criteria provided, single submitter. Criteria: ACMG Guidelines, 2015. Collection method: clinical testing. Allele origin: germline.

NM_001171.6(ABCC6):c.4330C>T (p.Leu1444Phe)

Gene: ABCC6 (ATP binding cassette subfamily C member 6; minus strand). Cytogenetic location: 16p13.11.
Variant type: single nucleotide variant.
Coding change: c.4330C>T on transcript NM_001171.6 (MANE Select); coding-DNA position 4330, C replaced by T.
Protein change: p.Leu1444Phe; replaces leucine 1444 with phenylalanine.
Molecular consequence: missense variant. On other transcripts: non-coding transcript variant (1).
Genome position (GRCh38, 1-based): chr16:16,150,651, G>A on the plus strand (C>T on the coding strand, the complement: ABCC6 is on the minus strand). VCF-style: chr16-16150651-G-A. GRCh37 (hg19) VCF-style: chr16-16244508-G-A.
Other names: c.3988C>T, p.Leu1330Phe (NM_001351800.1); short protein forms L1330F, L1444F.
Identifiers: ClinVar variation 3578539 (VCV003578539.3).